The following is an entry in ClinVar:

ClinVar aggregate classification (germline): Uncertain significance (1 of 4 stars; one submission).

Submission:

Labcorp Genetics (formerly Invitae), Labcorp
Classification: Uncertain significance. Last evaluated: 2022-04-06. Review status: criteria provided, single submitter. Criteria: Invitae Variant Classification Sherloc (09022015). Collection method: clinical testing. Allele origin: germline.
Comment: This variant is not present in population databases (gnomAD no frequency). This sequence change replaces alanine, which is neutral and non-polar, with threonine, which is neutral and polar, at codon 3361 of the PCLO protein (p.Ala3361Thr). This variant has not been reported in the literature in individuals affected with PCLO-related conditions. Algorithms developed to predict the effect of missense changes on protein structure and function output the following: SIFT: "Tolerated"; PolyPhen-2: "Not Available"; Align-GVGD: "Class C0". The threonine amino acid residue is found in multiple mammalian species, which suggests that this missense change does not adversely affect protein function. In summary, the available evidence is currently insufficient to determine the role of this variant in disease. Therefore, it has been classified as a Variant of Uncertain Significance.

NM_033026.6(PCLO):c.10081G>A (p.Ala3361Thr)

Gene: PCLO (piccolo presynaptic cytomatrix protein; minus strand). Cytogenetic location: 7q21.11.
Variant type: single nucleotide variant.
Coding change: c.10081G>A on transcript NM_033026.6 (MANE Select); coding-DNA position 10081, G replaced by A.
Protein change: p.Ala3361Thr; replaces alanine 3361 with threonine.
Molecular consequence: missense variant.
Genome position (GRCh38, 1-based): chr7:82,950,507, C>T on the plus strand (G>A on the coding strand, the complement: PCLO is on the minus strand). VCF-style: chr7-82950507-C-T. GRCh37 (hg19) VCF-style: chr7-82579823-C-T.
Other names: c.10081G>A, p.Ala3361Thr (NM_014510.3); short protein forms A3361T.
Identifiers: ClinVar variation 2097304 (VCV002097304.4), dbSNP rs2535676842, ClinGen allele CA367905619.